The following is an entry in ClinVar:

ClinVar aggregate classification (germline): Conflicting classifications of pathogenicity. Review status: criteria provided, conflicting classifications (1 of 4 stars). 6 submissions from 6 submitters: Uncertain significance (4); Benign (2). Last evaluated 2026-06-26.

Conditions:
IFT140-related disorder. Also called: IFT140-related condition.
Saldino-Mainzer syndrome (SRTD9). Also called: Renal dysplasia, retinal pigmentary dystrophy, cerebellar ataxia and skeletal dysplasia; short-rib thoracic dysplasia 9 with or without polydactyly; CONORENAL SYNDROME; SHORT-RIB THORACIC DYSPLASIA 9 WITHOUT POLYDACTYLY. Identifiers: Orphanet 140969, MedGen C1849437, MONDO:0009964, OMIM 266920.

Allele frequency attached by ClinVar (database versions not stated): gnomAD exomes 0.00011; ESP Exome Variant Server 0.00024; gnomAD 0.00048 and 0.00050; TOPMed 0.00056; 1000 Genomes Project 0.00060; ExAC 0.00060; 1000 Genomes Project 30x 0.00062.
gnomAD v4.1: 189 of 1,546,938 alleles (0.012%); highest among the groups gnomAD compares: African/African-American, 0.18%; no homozygotes.

Submissions (6):

PreventionGenetics, part of Exact Sciences
Classification: Uncertain significance for IFT140-related condition. Last evaluated: 2026-06-26. Review status: criteria provided, single submitter. Criteria: ACMG Guidelines, 2015. Collection method: clinical testing. Allele origin: germline.
Comment: The IFT140 c.2756G>A variant is predicted to result in the amino acid substitution p.Arg919Gln. To our knowledge, this variant has not been reported in the literature. This variant is reported in 0.15% of alleles in individuals of African descent in gnomAD, which may be too frequent to be a primary cause of disease. Although we suspect that this variant may be benign, at this time, the clinical significance of this variant is uncertain due to the absence of conclusive functional and genetic evidence.

Labcorp Genetics (formerly Invitae), Labcorp
Classification: Benign for Saldino-Mainzer syndrome. Last evaluated: 2026-01-26. Review status: criteria provided, single submitter. Criteria: Invitae Variant Classification Sherloc (09022015). Collection method: clinical testing. Allele origin: germline.

Blueprint Genetics
Classification: Benign. Last evaluated: 2024-08-06. Review status: criteria provided, single submitter. Criteria: ACMG Guidelines, 2015. Collection method: clinical testing. Allele origin: germline.

GeneDx
Classification: Uncertain significance. Last evaluated: 2023-11-20. Review status: criteria provided, single submitter. Criteria: GeneDx Variant Classification Process June 2021. Collection method: clinical testing. Allele origin: germline. Affected: yes.
Comment: In silico analysis supports that this missense variant does not alter protein structure/function; Has not been previously published as pathogenic or benign to our knowledge

AiLife Diagnostics
Classification: Uncertain significance. Last evaluated: 2021-09-30. Review status: criteria provided, single submitter. Criteria: ACMG Guidelines, 2015. Collection method: clinical testing. Allele origin: germline. Affected: yes. Observed: 1 variant allele.

Eurofins Ntd Llc (ga)
Classification: Uncertain significance. Last evaluated: 2017-06-15. Review status: criteria provided, single submitter. Criteria: EGL Classification Definitions 2015. Collection method: clinical testing. Allele origin: germline. Observed: 1 variant allele, 1 heterozygote.

NM_014714.4(IFT140):c.2756G>A (p.Arg919Gln)

Gene: IFT140 (intraflagellar transport 140; minus strand). Cytogenetic location: 16p13.3.
Variant type: single nucleotide variant.
Coding change: c.2756G>A on transcript NM_014714.4 (MANE Select); coding-DNA position 2756, G replaced by A.
Protein change: p.Arg919Gln; replaces arginine 919 with glutamine.
Molecular consequence: missense variant.
Genome position (GRCh38, 1-based): chr16:1,525,899, C>T on the plus strand (G>A on the coding strand, the complement: IFT140 is on the minus strand). VCF-style: chr16-1525899-C-T. GRCh37 (hg19) VCF-style: chr16-1575900-C-T.
Other names: short protein forms R919Q.
Identifiers: ClinVar variation 502471 (VCV000502471.16), dbSNP rs201851204, ClinGen allele CA7813506.